The following is an entry in ClinVar:

NM_015154.3(MESD):c.677G>A (p.Arg226Gln)

Gene: MESD (mesoderm development LRP chaperone; minus strand). Cytogenetic location: 15q25.1.
Variant type: single nucleotide variant.
Coding change: c.677G>A on transcript NM_015154.3 (MANE Select); coding-DNA position 677, G replaced by A.
Protein change: p.Arg226Gln; replaces arginine 226 with glutamine.
Molecular consequence: missense variant. On other transcripts: non-coding transcript variant (1).
Genome position (GRCh38, 1-based): chr15:80,979,247, C>T on the plus strand (G>A on the coding strand, the complement: MESD is on the minus strand). VCF-style: chr15-80979247-C-T. GRCh37 (hg19) VCF-style: chr15-81271588-C-T.
Other names: c.677G>A (NM_015154.1); short protein forms R226Q.
Identifiers: ClinVar variation 2085663 (VCV002085663.6), dbSNP rs753142107, ClinGen allele CA7693849.
Genomic context (GRCh38, chr15:80,979,247, plus strand): 5'-CTGTCCCCCCACAGCGCGTCACTGCTGCCCCATCACAGGTCTTCTCTTTTATTCCCAGCT[C>T]GATTTTCTTCCTTGGAAGACCGAGATTTCAGATCTCCTTCCTTCTTTTTTTTGCCCTTGT-3'
Protein context (NP_055969.1, residues 216-234): LKSRSSKEEN[Arg226Gln]AGNKREDL

ClinVar aggregate classification (germline): Uncertain significance. Review status: criteria provided, multiple submitters, no conflicts (2 of 4 stars). 3 submissions from 3 submitters: Uncertain significance (3). Last evaluated 2026-05-01.

Allele frequency attached by ClinVar (database versions not stated): TOPMed 0.00002; gnomAD exomes 0.00005; gnomAD 0.00006; ExAC 0.00007.
gnomAD v4.1: 80 of 1,613,646 alleles (0.005%); highest among the groups gnomAD compares: South Asian, 0.016%; no homozygotes.

Submissions (3):

CeGaT Center for Human Genetics Tuebingen
Classification: Uncertain significance. Last evaluated: 2026-05-01. Review status: criteria provided, single submitter. Criteria: CeGaT Center For Human Genetics Tuebingen Variant Classification Criteria Version 2. Collection method: clinical testing. Allele origin: germline. Affected: yes. Observed: 1 variant allele.
Comment: MESD: PM2, BP4

Ambry Genetics
Classification: Uncertain significance. Last evaluated: 2025-04-10. Review status: criteria provided, single submitter. Criteria: Ambry Variant Classification Scheme 2023. Collection method: clinical testing. Allele origin: germline.

Labcorp Genetics (formerly Invitae), Labcorp
Classification: Uncertain significance. Last evaluated: 2024-12-20. Review status: criteria provided, single submitter. Criteria: Invitae Variant Classification Sherloc (09022015). Collection method: clinical testing. Allele origin: germline.
Comment: This sequence change replaces arginine, which is basic and polar, with glutamine, which is neutral and polar, at codon 226 of the MESDC2 protein (p.Arg226Gln). This variant is present in population databases (rs753142107, gnomAD 0.02%). This variant has not been reported in the literature in individuals affected with MESDC2-related conditions. ClinVar contains an entry for this variant (Variation ID: 2085663). An algorithm developed to predict the effect of missense changes on protein structure and function outputs the following: PolyPhen-2: "Benign". The glutamine amino acid residue is found in multiple mammalian species, which suggests that this missense change does not adversely affect protein function. In summary, the available evidence is currently insufficient to determine the role of this variant in disease. Therefore, it has been classified as a Variant of Uncertain Significance.